The following is an entry in ClinVar:

ClinVar aggregate classification (germline): Uncertain significance (1 of 4 stars; one submission).

Conditions:
Developmental and epileptic encephalopathy, 2 (DEE2). Also called: INFANTILE SPASM SYNDROME, X-LINKED 2; CDKL5 deficiency disorder. Identifiers: Orphanet 1934, Orphanet 3451, Orphanet 505652, MedGen C4750718, MONDO:0010396, OMIM 300672.
Angelman syndrome-like. Identifiers: MedGen CN128785.

Submission:

Labcorp Genetics (formerly Invitae), Labcorp
Classification: Uncertain significance for Developmental and epileptic encephalopathy, 2; Angelman syndrome-like. Last evaluated: 2022-12-03. Review status: criteria provided, single submitter. Criteria: Invitae Variant Classification Sherloc (09022015). Collection method: clinical testing. Allele origin: germline.
Comment: In summary, the available evidence is currently insufficient to determine the role of this variant in disease. Therefore, it has been classified as a Variant of Uncertain Significance. Advanced modeling of protein sequence and biophysical properties (such as structural, functional, and spatial information, amino acid conservation, physicochemical variation, residue mobility, and thermodynamic stability) has been performed at Invitae for this missense variant, however the output from this modeling did not meet the statistical confidence thresholds required to predict the impact of this variant on CDKL5 protein function. This variant has not been reported in the literature in individuals affected with CDKL5-related conditions. This variant is not present in population databases (gnomAD no frequency). This sequence change replaces glutamine, which is neutral and polar, with arginine, which is basic and polar, at codon 256 of the CDKL5 protein (p.Gln256Arg).

NM_001323289.2(CDKL5):c.767A>G (p.Gln256Arg)

Gene: CDKL5 (cyclin dependent kinase like 5; plus strand). Cytogenetic location: Xp22.13.
Variant type: single nucleotide variant.
Coding change: c.767A>G on transcript NM_001323289.2 (MANE Select); coding-DNA position 767, A replaced by G.
Protein change: p.Gln256Arg; replaces glutamine 256 with arginine.
Molecular consequence: missense variant.
Genome position (GRCh38, 1-based): chrX:18,595,370, A>G. VCF-style: chrX-18595370-A-G. GRCh37 (hg19) VCF-style: chrX-18613490-A-G.
Other names: c.767A>G, p.Gln256Arg (NM_001037343.2, NM_003159.3); short protein forms Q256R.
Identifiers: ClinVar variation 2942012 (VCV002942012.3), dbSNP rs2518864158, ClinGen allele CA412354932.